The following is an entry in ClinVar:

ClinVar aggregate classification (germline): Likely benign (1 of 4 stars; one submission).

Submission:

GeneDx
Classification: Likely benign. Last evaluated: 2018-02-01. Review status: criteria provided, single submitter. Criteria: GeneDx Variant Classification (06012015). Collection method: clinical testing. Allele origin: germline. Affected: yes.
Comment: This variant is considered likely benign or benign based on one or more of the following criteria: it is a conservative change, it occurs at a poorly conserved position in the protein, it is predicted to be benign by multiple in silico algorithms, and/or has population frequency not consistent with disease.

NM_001378454.1(ALMS1):c.12362+17_12362+27delinsGAGTTTGTG

Gene: ALMS1 (ALMS1 centrosome and basal body associated protein; plus strand). Cytogenetic location: 2p13.1.
Variant type: Indel.
Coding change: c.12362+17_12362+27delinsGAGTTTGTG on transcript NM_001378454.1 (MANE Select); bases 17 to 27 of the intron after coding-DNA position 12362, AAGAGTACGTA replaced by GAGTTTGTG.
Molecular consequence: intron variant.
Genome position (GRCh38, 1-based): chr2:73,603,321-73,603,331, AAGAGTACGTA replaced by GAGTTTGTG. VCF-style: chr2-73603321-AAGAGTACGTA-GAGTTTGTG. GRCh37 (hg19) VCF-style: chr2-73830448-AAGAGTACGTA-GAGTTTGTG.
Other names: c.12362+17_12362+27delinsGAGTTTGTG (NM_015120.4); c.12365+17_12365+27delAAGAGTACGTAinsGAGTTTGTG (NM_015120.4).
Identifiers: ClinVar variation 422950 (VCV000422950.1), dbSNP rs1064796118, ClinGen allele CA16617761.